The following is an entry in ClinVar:

ClinVar aggregate classification (germline): Uncertain significance (1 of 4 stars; one submission).

Conditions:
Monosomy 7 myelodysplasia and leukemia syndrome 2. Identifiers: MedGen C5436668, MONDO:0030801, OMIM 619041.

Submission:

Victorian Clinical Genetics Services, Murdoch Childrens Research Institute
Classification: Uncertain significance for Monosomy 7 myelodysplasia and leukemia syndrome 2. Last evaluated: 2022-09-02. Review status: criteria provided, single submitter. Criteria: ACMG Guidelines, 2015. Collection method: clinical testing. Allele origin: germline. Inheritance: Autosomal dominant inheritance. Affected: yes.
Comment: Based on the classification scheme VCGS_Germline_v1.3.4, this variant is classified as VUS-3A. Following criteria are met: 0101 - Gain of function is a known mechanism of disease in this gene and is associated with MIRAGE syndrome (MIM#617053) (PMID: 33237688). Monosomy 7 myelodysplasia and leukaemia syndrome 2 (MIM#619041) is the result of a somatic compensatory mechanism, reversing the germline gain of function (PMID: 34621053). (I) 0107 - This gene is associated with autosomal dominant disease. (I) 0112 - The condition associated with this gene has incomplete penetrance (PMID: 34621053). (I) 0115 - Variants in this gene are known to have variable expressivity (PMID: 34621053). (I) 0200 - Variant is predicted to result in a missense amino acid change from glutamic acid to lysine. (I) 0251 - This variant is heterozygous. (I) 0301 - Variant is absent from gnomAD (both v2 and v3). (SP) 0503 - Missense variant consistently predicted to be tolerated by multiple in silico tools or not conserved in placental mammals with a minor amino acid change. (SB) 0604 - Variant is not located in an established domain, motif, hotspot or informative constraint region. (I) 0705 - No comparable missense variants have previous evidence for pathogenicity. (I) 0807 - This variant has no previous evidence of pathogenicity. (I) 0905 - No published segregation evidence has been identified for this variant. (I) 1007 - No published functional evidence has been identified for this variant. (I) 1101 - Very strong and specific phenotype match for this individual. (SP) 1208 - Inheritance information for this variant is not currently available in this individual. (I) Legend: (SP) - Supporting pathogenic, (I) - Information, (SB) - Supporting benign

Literature cited by the submitters: PubMed 33237688; PubMed 34621053.

NM_017654.4(SAMD9):c.3136G>A (p.Glu1046Lys)

Gene: SAMD9 (sterile alpha motif domain containing 9; minus strand). Cytogenetic location: 7q21.2.
Variant type: single nucleotide variant.
Coding change: c.3136G>A on transcript NM_017654.4 (MANE Select); coding-DNA position 3136, G replaced by A.
Protein change: p.Glu1046Lys; replaces glutamic acid 1046 with lysine.
Molecular consequence: missense variant.
Genome position (GRCh38, 1-based): chr7:93,102,962, C>T on the plus strand (G>A on the coding strand, the complement: SAMD9 is on the minus strand). VCF-style: chr7-93102962-C-T. GRCh37 (hg19) VCF-style: chr7-92732275-C-T.
Other names: c.3136G>A, p.Glu1046Lys (NM_001193307.2); short protein forms E1046K.
Identifiers: ClinVar variation 1805924 (VCV001805924.1), dbSNP rs2535356453, ClinGen allele CA368188732.
Genomic context (GRCh38, chr7:93,102,962, plus strand): 5'-CTTCATTTCCTTCATCTTTATGTAATGCTTCAATAAATGGGGAAAACCAATTTCCTGTTT[C>T]ACCTTCATGTTCATCGCGGTGTCTTGTGAGTAGGAGTGTGTGCATATCTTGCAAAAATTT-3'
Protein context (NP_060124.2, residues 1036-1056): LTRHRDEHEG[Glu1046Lys]TGNWFSPFIE